The following is an entry in ClinVar:

ClinVar aggregate classification (germline): Conflicting classifications of pathogenicity. Review status: criteria provided, conflicting classifications (1 of 4 stars). 11 submissions from 11 submitters: Pathogenic (1); Likely pathogenic (7); Uncertain significance (1). 2 of the submissions do not count toward it. Last evaluated 2026-10-24.

Conditions:
CYP27A1-related disorder. Also called: CYP27A1-related condition.
Cholestanol storage disease (CTX). Also called: CEREBRAL CHOLESTERINOSIS; CTX: Cerebrotendinous xanthomatosis; Cerebrotendinous Xanthomatosis. Identifiers: Orphanet 909, MedGen C0238052, MONDO:0008948, OMIM 213700.

Allele frequency attached by ClinVar (database versions not stated): gnomAD exomes below 0.00001 and 0.00002; gnomAD 0.00001; TOPMed 0.00001; ExAC 0.00002.
gnomAD v4.1: 8 of 1,614,038 alleles (0.0005%); highest among the groups gnomAD compares: East Asian, 0.0022%; no homozygotes.

Submissions (11):

GeneDx
Classification: Likely pathogenic. Last evaluated: 2026-10-24. Review status: criteria provided, single submitter. Criteria: GeneDx Variant Classification Process June 2021. Collection method: clinical testing. Allele origin: germline.
Comment: Observed in homozygous state or as a heterozygous variant with a second variant in multiple unrelated individuals with cerebrotendinous xanthomatosis (CTX) referred for genetic testing at GeneDx and in published literature (PMID: 11181744, 10775536, 22878431, 33830582, 35758105, 42552261, 23212544); In silico analysis suggests that this missense variant does not alter protein structure/function; In silico analysis suggests this variant may impact gene splicing. In the absence of RNA/functional studies, the actual effect of this sequence change is unknown.; Also known as K226R; This variant is associated with the following publications: (PMID: 17697869, 26643207, 27096365, 11181744, 33830582, 16816916, 22878431, 33370991, 35758105, 10775536, 42552261, 23212544)

Natera, Inc.
Classification: Likely pathogenic for Cerebrotendinous xanthomatosis. Last evaluated: 2025-09-29. Review status: criteria provided, single submitter. Criteria: Natera Variant Classification Schema (03/2026). Collection method: clinical testing. Allele origin: germline.
Comment: The c.776A>G variant in CYP27A1 is a missense variant predicted to cause substitution of lysine to arginine at amino acid 259. This variant is rare in the general population with a frequency below the threshold expected for the associated phenotype(s). This variant has been observed in one or more individuals affected with the associated recessive disease, as either homozygous or compound heterozygous with a second variant (PMID: 23212544, 33370991, 33830582, 10775536, 11181744). Multiple computational prediction algorithms suggest this variant is unlikely to affect gene or protein function. Given the available evidence, this variant is classified as Likely Pathogenic.

PreventionGenetics, part of Exact Sciences
Classification: Uncertain significance for CYP27A1-related condition. Last evaluated: 2025-07-22. Review status: criteria provided, single submitter. Criteria: ACMG Guidelines, 2015. Collection method: clinical testing. Allele origin: germline.
Comment: The CYP27A1 c.776A>G variant is predicted to result in the amino acid substitution p.Lys259Arg. This variant (also known as c.797A>G, p.Lys226Arg) has been reported in multiple unrelated individuals presenting with cerebrotendinous xanthomatosis (Verrips et al. 2000. PubMed ID: 10775536; Lee et al. 2001. PubMed ID: 11181744). In at least one individual, a second CYP27A1 variant was detected (Verrips et al 2000. PubMed ID: 10775536). This variant has also been reported in the homozygous state in at least three individuals presenting with cerebrotendinous xanthomatosis with and without neurological involvement (Ginanneschi et al. 2012. PubMed ID: 22878431; Stelten et al. 2021. PubMed ID:33830582). In vitro functional studies indicate this variant does not abolish the hydroxylation activity on cholesterol, vitamin D3, and 1a-hydroxyvitamin D3 (Gupta et al. 2007. PubMed ID: 17697869). While we suspect this variant could be pathogenic, at this time we interpret its clinical significance as uncertain.

Mayo Clinic Laboratories, Mayo Clinic
Classification: Likely pathogenic. Last evaluated: 2025-05-24. Review status: criteria provided, single submitter. Criteria: ACMG Guidelines, 2015. Collection method: clinical testing. Allele origin: germline. Observed: 1 variant allele.
Comment: PP3, PM2_supporting, PM3_strong

Labcorp Genetics (formerly Invitae), Labcorp
Classification: Pathogenic for Cholestanol storage disease. Last evaluated: 2024-12-17. Review status: criteria provided, single submitter. Criteria: Invitae Variant Classification Sherloc (09022015). Collection method: clinical testing. Allele origin: germline.
Comment: This sequence change replaces lysine, which is basic and polar, with arginine, which is basic and polar, at codon 259 of the CYP27A1 protein (p.Lys259Arg). This variant is present in population databases (rs72551317, gnomAD 0.005%). This missense change has been observed in individuals with cerebrotendinous xanthomatosis (PMID: 10775536, 22878431). This variant is also known as p.Lys226Arg. ClinVar contains an entry for this variant (Variation ID: 65898). Invitae Evidence Modeling of protein sequence and biophysical properties (such as structural, functional, and spatial information, amino acid conservation, physicochemical variation, residue mobility, and thermodynamic stability) indicates that this missense variant is not expected to disrupt CYP27A1 protein function with a negative predictive value of 80%. Experimental studies have shown that this missense change does not substantially affect CYP27A1 function (PMID: 17697869). Algorithms developed to predict the effect of sequence changes on RNA splicing suggest that this variant may disrupt the consensus splice site. For these reasons, this variant has been classified as Pathogenic.

Blueprint Genetics
Classification: Likely pathogenic for CYP27A1-related disorders. Last evaluated: 2024-11-07. Review status: criteria provided, single submitter. Criteria: ACMG Guidelines, 2015. Collection method: clinical testing. Allele origin: germline. Affected: yes. Observed: 3 variant alleles.

Laboratory of Medical Genetics, National & Kapodistrian University of Athens
Classification: Likely pathogenic for Cholestanol storage disease. Last evaluated: 2024-02-01. Review status: criteria provided, single submitter. Criteria: ACMG Guidelines, 2015. Collection method: curation. Allele origin: germline. Affected: no.

Fulgent Genetics
Classification: Likely pathogenic for Cholestanol storage disease. Last evaluated: 2024-01-30. Review status: criteria provided, single submitter. Criteria: ACMG Guidelines, 2015. Collection method: clinical testing. Allele origin: germline.

CeGaT Center for Human Genetics Tuebingen
Classification: Likely pathogenic. Last evaluated: 2022-09-01. Review status: criteria provided, single submitter. Criteria: CeGaT Center For Human Genetics Tuebingen Variant Classification Criteria Version 2. Collection method: clinical testing. Allele origin: germline. Affected: yes. Observed: 1 variant allele.
Comment: CYP27A1: PM3:Strong, PM2, PP3

Counsyl
Classification: Likely pathogenic for Cholestanol storage disease. Last evaluated: 2018-02-15. Review status: no assertion criteria provided. Collection method: clinical testing. Allele origin: unknown. Not counted in ClinVar's aggregate classification.

GeneReviews
Classification: Pathogenic for Cerebrotendinous Xanthomatosis. Last evaluated: 2013-08-01. Review status: no assertion criteria provided. Collection method: curation. Allele origin: unknown. Not counted in ClinVar's aggregate classification.
ClinVar note: Converted during submission from pathologic to Pathogenic.

Literature cited by the submitters: PubMed 23212544 (cited by Natera, Inc.); PubMed 33370991 (cited by Natera, Inc. and Mayo Clinic Laboratories, Mayo Clinic); PubMed 33830582 (cited by Natera, Inc. and Mayo Clinic Laboratories, Mayo Clinic); PubMed 10775536 (cited by 4 submitters); PubMed 11181744 (cited by 3 submitters); PubMed 17697869 (cited by 3 submitters); PubMed 22878431 (cited by 3 submitters); PubMed 35758105 (cited by Mayo Clinic Laboratories, Mayo Clinic).

NM_000784.4(CYP27A1):c.776A>G (p.Lys259Arg)

Gene: CYP27A1 (cytochrome P450 family 27 subfamily A member 1; plus strand). Cytogenetic location: 2q35.
Variant type: single nucleotide variant.
Coding change: c.776A>G on transcript NM_000784.4 (MANE Select); coding-DNA position 776, A replaced by G.
Protein change: p.Lys259Arg; replaces lysine 259 with arginine.
Molecular consequence: missense variant.
Genome position (GRCh38, 1-based): chr2:218,812,681, A>G. VCF-style: chr2-218812681-A-G. GRCh37 (hg19) VCF-style: chr2-219677404-A-G.
Other names: p.Lys259Arg; c.776A>G; short protein forms K259R.
Identifiers: ClinVar variation 65898 (VCV000065898.50), dbSNP rs72551317, ClinGen allele CA345234.